The following is an entry in ClinVar:

ClinVar aggregate classification (germline): Uncertain significance (1 of 4 stars; one submission).

Conditions:
Loeys-Dietz syndrome 2 (LDS2). Also called: TGFBR2-Related Loeys-Dietz Syndrome; AORTIC ANEURYSM, FAMILIAL THORACIC 3; MARFAN SYNDROME, TYPE II; Marfan syndrome, type 2 (formerly); Marfan Syndrome type 2; Marfan like connective tissue disorder. Identifiers: Orphanet 284973, Orphanet 558, MedGen C2674574, MONDO:0012427, OMIM 610168.

Submission:

All of Us Research Program, National Institutes of Health
Classification: Uncertain significance for Loeys-Dietz syndrome 2. Last evaluated: 2023-06-26. Review status: criteria provided, single submitter. Criteria: ACMG Guidelines, 2015. Collection method: clinical testing. Allele origin: germline. Inheritance: Autosomal dominant inheritance. Observed: 1 variant allele, 1 heterozygote.
Comment: This missense variant replaces lysine with glutamic acid at codon 567 of the TGFBR2 protein. Computational prediction suggests that this variant may not impact protein structure and function (internally defined REVEL score threshold <= 0.5, PMID: 27666373). To our knowledge, functional studies have not been reported for this variant. This variant has not been reported in individuals affected with TGFBR2-related disorders in the literature. This variant has not been identified in the general population by the Genome Aggregation Database (gnomAD). The available evidence is insufficient to determine the role of this variant in disease conclusively. Therefore, this variant is classified as a Variant of Uncertain Significance.

This study involves interpretation of variants in research participants for the purpose of population health screening. Participant phenotype was not available at the time of variant classification. Additional details can be found in publication PMID: 35346344, PMCID: PMC8962531

NM_003242.6(TGFBR2):c.1699A>G (p.Lys567Glu)

Gene: TGFBR2 (transforming growth factor beta receptor 2; plus strand). Cytogenetic location: 3p24.1.
Variant type: single nucleotide variant.
Coding change: c.1699A>G on transcript NM_003242.6 (MANE Select); coding-DNA position 1699, A replaced by G.
Protein change: p.Lys567Glu; replaces lysine 567 with glutamic acid.
Molecular consequence: missense variant.
Genome position (GRCh38, 1-based): chr3:30,691,594, A>G. VCF-style: chr3-30691594-A-G. GRCh37 (hg19) VCF-style: chr3-30733086-A-G.
Other names: c.1774A>G, p.Lys592Glu (NM_001024847.3); c.1882A>G, p.Lys628Glu (NM_001407126.1); c.1807A>G, p.Lys603Glu (NM_001407127.1); c.1726A>G, p.Lys576Glu (NM_001407128.1); c.1702A>G, p.Lys568Glu (NM_001407129.1); c.1696A>G, p.Lys566Glu (NM_001407130.1); c.1594A>G, p.Lys532Glu (NM_001407132.1, NM_001407133.1, NM_001407134.1 and 2 more transcripts); c.1414A>G, p.Lys472Glu (NM_001407137.1); and 2 more; short protein forms K277E, K447E, K472E, K532E, K566E, K567E, K568E, K576E.
Identifiers: ClinVar variation 3072270 (VCV003072270.1), dbSNP rs2470604748, ClinGen allele CA351809854.